The following is an entry in ClinVar:

ClinVar aggregate classification (germline): Benign. Review status: criteria provided, multiple submitters, no conflicts (2 of 4 stars). 3 submissions from 2 submitters: Benign (3). Last evaluated 2018-01-13.

Conditions:
Alternating hemiplegia of childhood 1 (AHC1). Identifiers: Orphanet 2131, MedGen C3549447, MONDO:0007087, OMIM 104290.
Migraine, familial hemiplegic, 2. Identifiers: Orphanet 569, MedGen C1865322, MONDO:0011232, OMIM 602481.

Allele frequency attached by ClinVar (database versions not stated): gnomAD exomes 0.02001; 1000 Genomes Project 0.02376; 1000 Genomes Project 30x 0.02452; gnomAD 0.03409 and 0.03531; TOPMed 0.03483.
gnomAD v4.1: 5,440 of 165,116 alleles (3.3%); highest among the groups gnomAD compares: African/African-American, 5%; 117 homozygotes.

Submissions (3):

Illumina Laboratory Services, Illumina
Classification: Benign for Migraine, familial hemiplegic, 2. Last evaluated: 2018-01-13. Review status: criteria provided, single submitter. Criteria: ICSL Variant Classification Criteria 13 December 2019. Collection method: clinical testing. Allele origin: germline.
Comment: This variant was observed in the ICSL laboratory as part of a predisposition screen in an ostensibly healthy population. It had not been previously curated by ICSL or reported in the Human Gene Mutation Database (HGMD: prior to June 1st, 2018), and was therefore a candidate for classification through an automated scoring system. Utilizing variant allele frequency, disease prevalence and penetrance estimates, and inheritance mode, an automated score was calculated to assess if this variant is too frequent to cause the disease. Based on the score and internal cut-off values, a variant classified as benign is not then subjected to further curation. The score for this variant resulted in a classification of benign for this disease.

Illumina Laboratory Services, Illumina
Classification: Benign for Alternating hemiplegia of childhood 1. Last evaluated: 2018-01-13. Review status: criteria provided, single submitter. Criteria: ICSL Variant Classification Criteria 13 December 2019. Collection method: clinical testing. Allele origin: germline.
Comment: the same text as in the submission from Illumina Laboratory Services, Illumina above.

Breakthrough Genomics
Classification: Benign. Review status: criteria provided, single submitter. Criteria: ACMG Guidelines, 2015. Collection method: not provided. Allele origin: germline. Inheritance: Autosomal recessive inheritance. Affected: yes.

NM_000702.4(ATP1A2):c.*546G>A

Gene: ATP1A2 (ATPase Na+/K+ transporting subunit alpha 2; plus strand). Cytogenetic location: 1q23.2.
Variant type: single nucleotide variant.
Coding change: c.*546G>A on transcript NM_000702.4 (MANE Select); 546 bases downstream of the stop codon, G replaced by A.
Molecular consequence: 3 prime UTR variant.
Genome position (GRCh38, 1-based): chr1:160,141,868, G>A. VCF-style: chr1-160141868-G-A. GRCh37 (hg19) VCF-style: chr1-160111658-G-A.
Identifiers: ClinVar variation 293146 (VCV000293146.6), dbSNP rs62621782, ClinGen allele CA10608479.